The following is an entry in ClinVar:

NM_003575.4(ZNF282):c.1484G>T (p.Gly495Val)

Gene: ZNF282 (zinc finger protein 282; plus strand). Cytogenetic location: 7q36.1.
Variant type: single nucleotide variant.
Coding change: c.1484G>T on transcript NM_003575.4 (MANE Select); coding-DNA position 1484, G replaced by T.
Protein change: p.Gly495Val; replaces glycine 495 with valine.
Molecular consequence: missense variant. On other transcripts: intron variant (1).
Genome position (GRCh38, 1-based): chr7:149,224,115, G>T. VCF-style: chr7-149224115-G-T. GRCh37 (hg19) VCF-style: chr7-148921207-G-T.
Other names: c.1359+125G>T (NM_001303481.3); short protein forms G495V.
Identifiers: ClinVar variation 4609138 (VCV004609138.1).

ClinVar aggregate classification (germline): Uncertain significance (1 of 4 stars; one submission).

gnomAD v4.1: 4 of 1,438,994 alleles (0.00028%); highest among the groups gnomAD compares: Admixed American, 0.0027%; no homozygotes.

Submission:

Ambry Genetics
Classification: Uncertain significance. Last evaluated: 2025-12-02. Review status: criteria provided, single submitter. Criteria: Ambry Variant Classification Scheme 2023. Collection method: clinical testing. Allele origin: germline.
Comment: The c.1484G>T (p.G495V) alteration is located in exon 8 (coding exon 8) of the ZNF282 gene. This alteration results from a G to T substitution at nucleotide position 1484, causing the glycine (G) at amino acid position 495 to be replaced by a valine (V). Based on data from gnomAD, the T allele has an overall frequency of 0.002% (1/65178) total alleles studied. The highest observed frequency was 0.004% (1/26360) of European (non-Finnish) alleles. Based on insufficient or conflicting evidence, the clinical significance of this alteration remains unclear.